The following is an entry in ClinVar:

ClinVar aggregate classification (germline): Uncertain significance (1 of 4 stars; one submission).

Allele frequency attached by ClinVar (database versions not stated): gnomAD exomes below 0.00001; TOPMed below 0.00001; gnomAD 0.00001; 1000 Genomes Project 30x 0.00016; 1000 Genomes Project 0.00020.
gnomAD v4.1: 2 of 1,551,226 alleles (0.00013%); highest among the groups gnomAD compares: Admixed American, 0.0039%; no homozygotes.

Submission:

Labcorp Genetics (formerly Invitae), Labcorp
Classification: Uncertain significance. Last evaluated: 2022-08-11. Review status: criteria provided, single submitter. Criteria: Invitae Variant Classification Sherloc (09022015). Collection method: clinical testing. Allele origin: germline.
Comment: This sequence change replaces valine, which is neutral and non-polar, with isoleucine, which is neutral and non-polar, at codon 1499 of the EYS protein (p.Val1499Ile). This variant is not present in population databases (gnomAD no frequency). This variant has not been reported in the literature in individuals affected with EYS-related conditions. Algorithms developed to predict the effect of missense changes on protein structure and function output the following: SIFT: "Tolerated"; PolyPhen-2: "Benign"; Align-GVGD: "Class C0". The isoleucine amino acid residue is found in multiple mammalian species, which suggests that this missense change does not adversely affect protein function. In summary, the available evidence is currently insufficient to determine the role of this variant in disease. Therefore, it has been classified as a Variant of Uncertain Significance.

NM_001142800.2(EYS):c.4495G>A (p.Val1499Ile)

Gene: EYS (eyes shut homolog; minus strand). Cytogenetic location: 6q12.
Variant type: single nucleotide variant.
Coding change: c.4495G>A on transcript NM_001142800.2 (MANE Select); coding-DNA position 4495, G replaced by A.
Protein change: p.Val1499Ile; replaces valine 1499 with isoleucine.
Molecular consequence: missense variant.
Genome position (GRCh38, 1-based): chr6:64,591,372, C>T on the plus strand (G>A on the coding strand, the complement: EYS is on the minus strand). VCF-style: chr6-64591372-C-T. GRCh37 (hg19) VCF-style: chr6-65301265-C-T.
Other names: c.4495G>A, p.Val1499Ile (NM_001292009.2); short protein forms V1499I.
Identifiers: ClinVar variation 1927622 (VCV001927622.2), dbSNP rs540254730, ClinGen allele CA140340942.